The following is an entry in ClinVar:

NM_000135.4(FANCA):c.919C>G (p.Leu307Val)

Gene: FANCA (FA complementation group A; minus strand). Cytogenetic location: 16q24.3.
Variant type: single nucleotide variant.
Coding change: c.919C>G on transcript NM_000135.4 (MANE Select); coding-DNA position 919, C replaced by G.
Protein change: p.Leu307Val; replaces leucine 307 with valine.
Molecular consequence: missense variant.
Genome position (GRCh38, 1-based): chr16:89,795,993, G>C on the plus strand (C>G on the coding strand, the complement: FANCA is on the minus strand). VCF-style: chr16-89795993-G-C. GRCh37 (hg19) VCF-style: chr16-89862401-G-C.
Other names: c.919C>G, p.Leu307Val (NM_001286167.3); short protein forms L307V.
Identifiers: ClinVar variation 5036403 (VCV005036403.1).

ClinVar aggregate classification (germline): Uncertain significance (1 of 4 stars; one submission).

Conditions:
Inborn genetic diseases. Identifiers: MedGen C0950123, MeSH D030342.

Submission:

Ambry Genetics
Classification: Uncertain significance for Inborn genetic diseases. Last evaluated: 2026-08-10. Review status: criteria provided, single submitter. Criteria: Ambry Variant Classification Scheme 2023. Collection method: clinical testing. Allele origin: germline.
Comment: The p.L307V variant (also known as c.919C>G), located in coding exon 11 of the FANCA gene, results from a C to G substitution at nucleotide position 919. The leucine at codon 307 is replaced by valine, an amino acid with highly similar properties. This amino acid position is conserved. In addition, this alteration is predicted to be tolerated by in silico analysis. Based on the available evidence, the clinical significance of this variant remains unclear.